The following is an entry in ClinVar:

ClinVar aggregate classification (germline): Uncertain significance. Review status: criteria provided, multiple submitters, no conflicts (2 of 4 stars). 2 submissions from 2 submitters: Uncertain significance (2). Last evaluated 2023-12-14.

Conditions:
Developmental and epileptic encephalopathy, 47 (DEE47). Also called: Epileptic encephalopathy, early infantile, 47. Identifiers: MedGen C4310685, MONDO:0014949, OMIM 617166.

Allele frequency attached by ClinVar (database versions not stated): ExAC 0.00001; gnomAD 0.00001; gnomAD exomes 0.00001; TOPMed 0.00002.
gnomAD v4.1: 8 of 1,613,042 alleles (0.0005%); highest among the groups gnomAD compares: Non-Finnish European, 0.00068%; no homozygotes.

Submissions (2):

Labcorp Genetics (formerly Invitae), Labcorp
Classification: Uncertain significance. Last evaluated: 2023-12-14. Review status: criteria provided, single submitter. Criteria: Invitae Variant Classification Sherloc (09022015). Collection method: clinical testing. Allele origin: germline.
Comment: This sequence change replaces glutamic acid, which is acidic and polar, with lysine, which is basic and polar, at codon 42 of the FGF12 protein (p.Glu42Lys). This variant is present in population databases (rs764199433, gnomAD 0.002%). This variant has not been reported in the literature in individuals affected with FGF12-related conditions. ClinVar contains an entry for this variant (Variation ID: 2441416). An algorithm developed to predict the effect of missense changes on protein structure and function (PolyPhen-2) suggests that this variant is likely to be tolerated. In summary, the available evidence is currently insufficient to determine the role of this variant in disease. Therefore, it has been classified as a Variant of Uncertain Significance.

Revvity Omics, Revvity
Classification: Uncertain significance for Developmental and epileptic encephalopathy, 47. Last evaluated: 2019-03-20. Review status: criteria provided, single submitter. Criteria: ACMG Guidelines, 2015. Collection method: clinical testing. Allele origin: germline.

NM_004113.6(FGF12):c.14-47562G>A

Gene: FGF12 (fibroblast growth factor 12; minus strand). Cytogenetic location: 3q28.
Variant type: single nucleotide variant.
Coding change: c.14-47562G>A on transcript NM_004113.6 (MANE Select); 47562 bases into the intron before coding-DNA position 14, G replaced by A.
Molecular consequence: intron variant. On other transcripts: missense variant (1).
Genome position (GRCh38, 1-based): chr3:192,408,100, C>T on the plus strand (G>A on the coding strand, the complement: FGF12 is on the minus strand). VCF-style: chr3-192408100-C-T. GRCh37 (hg19) VCF-style: chr3-192125889-C-T.
Other names: c.124G>A, p.Glu42Lys (NM_021032.5); c.-59-47562G>A (NM_001377293.1); c.14-72636G>A (NM_001377292.1); c.-60+1412G>A (NM_001377294.1); short protein forms E42K.
Identifiers: ClinVar variation 2441416 (VCV002441416.6), dbSNP rs764199433, ClinGen allele CA2755895.